The following is an entry in ClinVar:

ClinVar aggregate classification (germline): Pathogenic (1 of 4 stars; one submission).

Conditions:
Cardiovascular phenotype. Identifiers: MedGen CN230736.

Submission:

Ambry Genetics
Classification: Pathogenic for Cardiovascular phenotype. Last evaluated: 2014-07-22. Review status: criteria provided, single submitter. Criteria: Ambry Variant Classification Scheme 2023. Collection method: clinical testing. Allele origin: germline.
Comment: The c.701_705dupTGACG pathogenic mutation, located in coding exon 6 of the ENG gene, results from a duplication of TGACG at nucleotide position 701, causing a translational frameshift with a predicted alternate stop codon (p.V236*). Since frameshifts are typically deleterious in nature, this alteration is interpreted as a disease-causing mutation (ACMG Recommendations for Standards for Interpretation and Reporting of Sequence Variations. Revision 2007. Genet Med. 2008;10:294).

NM_001114753.3(ENG):c.701_705dup (p.Val236Ter)

Gene: ENG (endoglin; minus strand). Cytogenetic location: 9q34.11.
Variant type: Duplication.
Coding change: c.701_705dup on transcript NM_001114753.3 (MANE Select); coding-DNA positions 701 to 705, 5 bases duplicated (TGACG; older notation c.701_705dupTGACG).
Protein change: p.Val236Ter; replaces valine 236 with a stop codon.
Molecular consequence: nonsense. On other transcripts: frameshift variant (2).
Genome position (GRCh38, 1-based): chr9:127,825,342-127,825,346, CGTCA duplicated on the plus strand (TGACG on the coding strand, the reverse complement: ENG is on the minus strand); duplicating any 5 consecutive bases within chr9:127,825,342-127,825,347 gives the same sequence; the c. name uses the placement nearest the transcript's 3' end. VCF-style (leftmost placement, unchanged base first): chr9-127825341-C-CCGTCA. GRCh37 (hg19) VCF-style: chr9-130587620-C-CCGTCA.
Other names: c.700_704dup, p.Val236Terfs (NM_000118.4, NM_001406715.1); c.155_159dup, p.Val54Ter (NM_001278138.2); short protein forms V54*, V236*.
Identifiers: ClinVar variation 1756687 (VCV001756687.2), dbSNP rs2539074394, ClinGen allele CA2580079672.